The following is an entry in ClinVar:

NM_001085411.3(NADK2):c.181C>G (p.Arg61Gly)

Genes: NADK2 (NAD kinase 2, mitochondrial; minus strand), LOC129993801 (ATAC-STARR-seq lymphoblastoid silent region 15972; plus strand). Cytogenetic location: 5p13.2.
Variant type: single nucleotide variant.
Coding change: c.181C>G on transcript NM_001085411.3 (MANE Select); coding-DNA position 181, C replaced by G.
Protein change: p.Arg61Gly; replaces arginine 61 with glycine.
Molecular consequence: missense variant. On other transcripts: intron variant (2).
Genome position (GRCh38, 1-based): chr5:36,241,618, G>C on the plus strand (C>G on the coding strand, the complement: NADK2 is on the minus strand). VCF-style: chr5-36241618-G-C. GRCh37 (hg19) VCF-style: chr5-36241720-G-C.
Other names: c.-190+478C>G (NM_153013.5, NM_001287341.2); short protein forms R61G.
Identifiers: ClinVar variation 1039801 (VCV001039801.9), dbSNP rs1232124686, ClinGen allele CA359447843.

ClinVar aggregate classification (germline): Uncertain significance (1 of 4 stars; one submission).

Conditions:
Progressive encephalopathy with leukodystrophy due to DECR deficiency. Identifiers: Orphanet 431361, MedGen C1857252, MONDO:0014464, OMIM 616034.

Allele frequency attached by ClinVar (database versions not stated): TOPMed 0.00001.

Submission:

Labcorp Genetics (formerly Invitae), Labcorp
Classification: Uncertain significance for Progressive encephalopathy with leukodystrophy due to DECR deficiency. Last evaluated: 2020-09-30. Review status: criteria provided, single submitter. Criteria: Invitae Variant Classification Sherloc (09022015). Collection method: clinical testing. Allele origin: germline.
Comment: In summary, the available evidence is currently insufficient to determine the role of this variant in disease. Therefore, it has been classified as a Variant of Uncertain Significance. Algorithms developed to predict the effect of missense changes on protein structure and function (SIFT, PolyPhen-2, Align-GVGD) all suggest that this variant is likely to be tolerated, but these predictions have not been confirmed by published functional studies and their clinical significance is uncertain. This variant has not been reported in the literature in individuals with NADK2-related conditions. The frequency data for this variant in the population databases is considered unreliable, as metrics indicate insufficient coverage at this position in the ExAC database. This sequence change replaces arginine with glycine at codon 61 of the NADK2 protein (p.Arg61Gly). The arginine residue is weakly conserved and there is a moderate physicochemical difference between arginine and glycine.